The following is an entry in ClinVar:

ClinVar aggregate classification (germline): Uncertain significance. Review status: criteria provided, multiple submitters, no conflicts (2 of 4 stars). 3 submissions from 3 submitters: Uncertain significance (3). Last evaluated 2026-07-02.

Conditions:
Gastrointestinal stromal tumor. Also called: Gastrointestinal stroma tumor; Gastrointestinal stromal tumor, somatic. Identifiers: Orphanet 44890, MedGen C0238198, MeSH D046152, MONDO:0011719, OMIM 606764, HP:0100723.
Pheochromocytoma/paraganglioma syndrome 3. Also called: GLOMUS TUMORS, FAMILIAL, 3; Paragangliomas 3; SDHC-Related Hereditary Paraganglioma-Pheochromocytoma Syndrome (Paragangliomas 3); SDHC-Related Hereditary Paraganglioma-Pheochromocytoma Syndrome. Identifiers: Orphanet 29072, MedGen C1854336, MONDO:0011544, OMIM 605373.
Hereditary cancer-predisposing syndrome. Also called: Hereditary neoplastic syndrome; Hereditary Cancer Syndrome; Neoplastic Syndromes, Hereditary; Tumor predisposition. Identifiers: Orphanet 140162, MedGen C0027672, MeSH D009386, MONDO:0015356.

Allele frequency attached by ClinVar (database versions not stated): TOPMed below 0.00001.

Submissions (3):

Ambry Genetics
Classification: Uncertain significance for Hereditary cancer-predisposing syndrome. Last evaluated: 2026-07-02. Review status: criteria provided, single submitter. Criteria: Ambry Variant Classification Scheme 2023. Collection method: clinical testing. Allele origin: germline.
Comment: The p.K104E variant (also known as c.310A>G), located in coding exon 5 of the SDHC gene, results from an A to G substitution at nucleotide position 310. The lysine at codon 104 is replaced by glutamic acid, an amino acid with similar properties. This amino acid position is conserved. In addition, the in silico prediction for this alteration is inconclusive. Based on the available evidence, the clinical significance of this variant remains unclear.

Labcorp Genetics (formerly Invitae), Labcorp
Classification: Uncertain significance for Pheochromocytoma/paraganglioma syndrome 3; Gastrointestinal stromal tumor. Last evaluated: 2024-11-27. Review status: criteria provided, single submitter. Criteria: Invitae Variant Classification Sherloc (09022015). Collection method: clinical testing. Allele origin: germline.
Comment: This sequence change replaces lysine, which is basic and polar, with glutamic acid, which is acidic and polar, at codon 104 of the SDHC protein (p.Lys104Glu). This variant is not present in population databases (gnomAD no frequency). This variant has not been reported in the literature in individuals affected with SDHC-related conditions. ClinVar contains an entry for this variant (Variation ID: 2678651). An algorithm developed to predict the effect of missense changes on protein structure and function (PolyPhen-2) suggests that this variant is likely to be tolerated. In summary, the available evidence is currently insufficient to determine the role of this variant in disease. Therefore, it has been classified as a Variant of Uncertain Significance.

Baylor Genetics
Classification: Uncertain significance for Gastrointestinal stromal tumor. Last evaluated: 2023-08-04. Review status: criteria provided, single submitter. Criteria: ACMG Guidelines, 2015. Collection method: clinical testing. Allele origin: unknown.

NM_003001.5(SDHC):c.310A>G (p.Lys104Glu)

Gene: SDHC (succinate dehydrogenase complex subunit C; plus strand). Cytogenetic location: 1q23.3.
Variant type: single nucleotide variant.
Coding change: c.310A>G on transcript NM_003001.5 (MANE Select); coding-DNA position 310, A replaced by G.
Protein change: p.Lys104Glu; replaces lysine 104 with glutamic acid.
Molecular consequence: missense variant. On other transcripts: non-coding transcript variant (1), intron variant (3).
Genome position (GRCh38, 1-based): chr1:161,356,745, A>G. VCF-style: chr1-161356745-A-G. GRCh37 (hg19) VCF-style: chr1-161326535-A-G.
Other names: c.208A>G, p.Lys70Glu (NM_001035512.3); c.151A>G, p.Lys51Glu (NM_001035513.3); c.430A>G, p.Lys144Glu (NM_001407115.1); c.253A>G, p.Lys85Glu (NM_001407116.1); c.247A>G, p.Lys83Glu (NM_001407117.1); c.202A>G, p.Lys68Glu (NM_001407118.1); c.199A>G, p.Lys67Glu (NM_001407119.1, NM_001407120.1); c.242-5584A>G (NM_001035511.3); and 2 more; short protein forms K104E, K144E, K51E, K67E, K68E, K70E, K83E, K85E.
Identifiers: ClinVar variation 2678651 (VCV002678651.5), dbSNP rs1672287730, ClinGen allele CA343456444.
Genomic context (GRCh38, chr1:161,356,745, plus strand): 5'-CTTTTTGGCATGTCGGCCCTGTTACTCCCTGGGAACTTTGAGTCTTATTTGGAACTTGTG[A>G]AGTCCCTGTGTCTGGGGCCAGCACTGATCCACACAGCTAAGTTTGCACTTGTCTTCCCTC-3'
Protein context (NP_002992.1, residues 94-114): GNFESYLELV[Lys104Glu]SLCLGPALIH